The following is an entry in ClinVar:

NM_004415.4(DSP):c.449G>T (p.Arg150Leu)

Gene: DSP (desmoplakin; plus strand). Cytogenetic location: 6p24.3.
Variant type: single nucleotide variant.
Coding change: c.449G>T on transcript NM_004415.4 (MANE Select); coding-DNA position 449, G replaced by T.
Protein change: p.Arg150Leu; replaces arginine 150 with leucine.
Molecular consequence: missense variant.
Genome position (GRCh38, 1-based): chr6:7,559,252, G>T. VCF-style: chr6-7559252-G-T. GRCh37 (hg19) VCF-style: chr6-7559485-G-T.
Other names: c.449G>T, p.Arg150Leu (NM_001008844.3, NM_001319034.2, NM_001406591.1); short protein forms R150L.
Identifiers: ClinVar variation 3069444 (VCV003069444.1), dbSNP rs587782940, ClinGen allele CA362672139.
Genomic context (GRCh38, chr6:7,559,252, plus strand): 5'-TCCTGCAGTGGTTTAAAGGTTTTTTTCTTTGCAGGCTTCTTCAGCTCCAAGAGCAAATGC[G>T]AGCCCTTTATAAAGCCATCAGTGTCCCTCGAGTCCGCAGGGCCAGCTCCAAGGGTGGTGG-3'
Protein context (NP_004406.2, residues 140-160): KRLLQLQEQM[Arg150Leu]ALYKAISVPR

ClinVar aggregate classification (germline): Uncertain significance (1 of 4 stars; one submission).

Conditions:
Arrhythmogenic cardiomyopathy with wooly hair and keratoderma. Also called: Carvajal syndrome; PALMOPLANTAR KERATODERMA WITH LEFT VENTRICULAR CARDIOMYOPATHY AND WOOLLY HAIR; Dilated cardiomyopathy with woolly hair and keratoderma; Arrhythmogenic cardiomyopathy with woolly hair and keratoderma. Identifiers: Orphanet 65282, MedGen C1854063, MONDO:0011581, OMIM 605676.

Submission:

All of Us Research Program, National Institutes of Health
Classification: Uncertain significance for Arrhythmogenic cardiomyopathy with wooly hair and keratoderma. Last evaluated: 2023-03-04. Review status: criteria provided, single submitter. Criteria: ACMG Guidelines, 2015. Collection method: clinical testing. Allele origin: germline. Inheritance: Autosomal dominant inheritance. Observed: 1 variant allele, 1 heterozygote.
Comment: This study involves interpretation of variants in research participants for the purpose of population health screening. Participant phenotype was not available at the time of variant classification. Additional details can be found in publication PMID: 35346344, PMCID: PMC8962531